The following is an entry in ClinVar:

NM_021098.3(CACNA1H):c.1065C>A (p.His355Gln)

Gene: CACNA1H (calcium voltage-gated channel subunit alpha1 H; plus strand). Cytogenetic location: 16p13.3.
Variant type: single nucleotide variant.
Coding change: c.1065C>A on transcript NM_021098.3 (MANE Select); coding-DNA position 1065, C replaced by A.
Protein change: p.His355Gln; replaces histidine 355 with glutamine.
Molecular consequence: missense variant.
Genome position (GRCh38, 1-based): chr16:1,200,517, C>A. VCF-style: chr16-1200517-C-A. GRCh37 (hg19) VCF-style: chr16-1250517-C-A.
Other names: c.1065C>A, p.His355Gln (NM_001005407.2); short protein forms H355Q.
Identifiers: ClinVar variation 3763991 (VCV003763991.2).
Genomic context (GRCh38, chr16:1,200,517, plus strand): 5'-CGCCTGCATCAACTGGAACCAGTACTACAACGTGTGCCGCTCGGGTGACTCCAACCCCCA[C>A]AACGGTGCCATCAACTTCGACAACATCGGCTACGCCTGGATTGCCATCTTCCAGGTGGGC-3'
Protein context (NP_066921.2, residues 345-365): NVCRSGDSNP[His355Gln]NGAINFDNIG

ClinVar aggregate classification (germline): Uncertain significance (1 of 4 stars; one submission).

Conditions:
Hyperaldosteronism, familial, type IV (HALD4). Also called: FH IV; ALDOSTERONISM, PRIMARY, AND HYPERTENSION. Identifiers: Orphanet 642671, MedGen C4310756, MONDO:0014875, OMIM 617027.
Idiopathic generalized epilepsy. Also called: Generalised epilepsy; EIG. Identifiers: MedGen C0270850, MONDO:0005579, OMIM 600669.

gnomAD v4.1: 1 of 1,612,388 alleles (0.000062%); highest among the groups gnomAD compares: Non-Finnish European, 0.000085%; no homozygotes.

Submission:

Labcorp Genetics (formerly Invitae), Labcorp
Classification: Uncertain significance for Idiopathic generalized epilepsy; Hyperaldosteronism, familial, type IV. Last evaluated: 2025-05-06. Review status: criteria provided, single submitter. Criteria: Invitae Variant Classification Sherloc (09022015). Collection method: clinical testing. Allele origin: germline.
Comment: This sequence change replaces histidine, which is basic and polar, with glutamine, which is neutral and polar, at codon 355 of the CACNA1H protein (p.His355Gln). This variant is not present in population databases (gnomAD no frequency). This variant has not been reported in the literature in individuals affected with CACNA1H-related conditions. ClinVar contains an entry for this variant (Variation ID: 3763991). Invitae Evidence Modeling of protein sequence and biophysical properties (such as structural, functional, and spatial information, amino acid conservation, physicochemical variation, residue mobility, and thermodynamic stability) indicates that this missense variant is not expected to disrupt CACNA1H protein function with a negative predictive value of 80%. In summary, the available evidence is currently insufficient to determine the role of this variant in disease. Therefore, it has been classified as a Variant of Uncertain Significance.